The following is an entry in ClinVar:

NM_006915.3(RP2):c.832C>T (p.Gln278Ter)

Gene: RP2 (RP2 activator of ARL3 GTPase; plus strand). Cytogenetic location: Xp11.3.
Variant type: single nucleotide variant.
Coding change: c.832C>T on transcript NM_006915.3 (MANE Select); coding-DNA position 832, C replaced by T.
Protein change: p.Gln278Ter; replaces glutamine 278 with a stop codon.
Molecular consequence: nonsense.
Genome position (GRCh38, 1-based): chrX:46,860,051, C>T. VCF-style: chrX-46860051-C-T. GRCh37 (hg19) VCF-style: chrX-46719486-C-T.
Other names: short protein forms Q278*.
Identifiers: ClinVar variation 1354932 (VCV001354932.6), dbSNP rs2147083249, ClinGen allele CA413040833.

ClinVar aggregate classification (germline): Pathogenic (1 of 4 stars; one submission).

Submission:

Labcorp Genetics (formerly Invitae), Labcorp
Classification: Pathogenic. Last evaluated: 2024-12-21. Review status: criteria provided, single submitter. Criteria: Invitae Variant Classification Sherloc (09022015). Collection method: clinical testing. Allele origin: germline.
Comment: This sequence change creates a premature translational stop signal (p.Gln278*) in the RP2 gene. It is expected to result in an absent or disrupted protein product. Loss-of-function variants in RP2 are known to be pathogenic (PMID: 11992260, 20625056). This variant is not present in population databases (gnomAD no frequency). This variant has not been reported in the literature in individuals affected with RP2-related conditions. ClinVar contains an entry for this variant (Variation ID: 1354932). For these reasons, this variant has been classified as Pathogenic.

Literature cited by the submitters: PubMed 11992260; PubMed 20625056.